The following is an entry in ClinVar:

ClinVar aggregate classification (germline): Likely pathogenic. Review status: criteria provided, multiple submitters, no conflicts (2 of 4 stars). 2 submissions from 2 submitters: Likely pathogenic (2). Last evaluated 2025-10-08.

Conditions:
Loeys-Dietz syndrome (LDS). Identifiers: Orphanet 60030, MedGen C2697932, MONDO:0018954.

Submissions (2):

Labcorp Genetics (formerly Invitae), Labcorp
Classification: Likely pathogenic. Last evaluated: 2025-10-08. Review status: criteria provided, single submitter. Criteria: Invitae Variant Classification Sherloc (09022015). Collection method: clinical testing. Allele origin: germline.
Comment: This sequence change affects an acceptor splice site in intron 2 of the SMAD2 gene. It is expected to disrupt RNA splicing. Variants that disrupt the donor or acceptor splice site typically lead to a loss of protein function (PMID: 16199547), and loss-of-function variants in SMAD2 are known to be pathogenic (PMID: 30157302, 40028843). This variant is not present in population databases (gnomAD no frequency). This variant has not been reported in the literature in individuals affected with SMAD2-related conditions. ClinVar contains an entry for this variant (Variation ID: 3384910). Algorithms developed to predict the effect of sequence changes on RNA splicing suggest that this variant may disrupt the consensus splice site. In summary, the currently available evidence indicates that the variant is pathogenic, but additional data are needed to prove that conclusively. Therefore, this variant has been classified as Likely Pathogenic.

Women's Health and Genetics/Laboratory Corporation of America, LabCorp
Classification: Likely pathogenic for Loeys-Dietz syndrome. Last evaluated: 2024-10-07. Review status: criteria provided, single submitter. Criteria: LabCorp Variant Classification Summary - May 2015. Collection method: clinical testing. Allele origin: germline.
Comment: Variant summary: SMAD2 c.237-2A>G is located in a canonical splice-site and is predicted to affect mRNA splicing resulting in a significantly altered protein due to either exon skipping, shortening, or inclusion of intronic material. Variants that disrupt the consensus splice site are a relatively common cause of aberrant splicing and loss of SMAD2 function. Several computational tools predict a significant impact on normal splicing: Three predict the variant abolishes a 3' acceptor site. However, these predictions have yet to be confirmed by functional studies. The variant was absent in 251218 control chromosomes. To our knowledge, no occurrence of c.237-2A>G in individuals affected with Loeys-Dietz Syndrome and no experimental evidence demonstrating its impact on protein function have been reported. No submitters have cited clinical-significance assessments for this variant to ClinVar. Based on the evidence outlined above, the variant was classified as likely pathogenic.

Literature cited by the submitters: PubMed 16199547 (cited by Labcorp Genetics (formerly Invitae), Labcorp); PubMed 30157302 (cited by Labcorp Genetics (formerly Invitae), Labcorp); PubMed 40028843 (cited by Labcorp Genetics (formerly Invitae), Labcorp).

NM_005901.6(SMAD2):c.237-2A>G

Gene: SMAD2 (SMAD family member 2; minus strand). Cytogenetic location: 18q21.1.
Variant type: single nucleotide variant.
Coding change: c.237-2A>G on transcript NM_005901.6 (MANE Select); the canonical splice acceptor site of the intron before coding-DNA position 237, A replaced by G.
Molecular consequence: splice acceptor variant. On other transcripts: intron variant (1).
Genome position (GRCh38, 1-based): chr18:47,870,566, T>C on the plus strand (A>G on the coding strand, the complement: SMAD2 is on the minus strand). VCF-style: chr18-47870566-T-C. GRCh37 (hg19) VCF-style: chr18-45396937-T-C.
Other names: c.237-1130A>G (NM_001135937.3); c.237-2A>G (NM_001003652.4).
Identifiers: ClinVar variation 3384910 (VCV003384910.3).